The following is an entry in ClinVar:

ClinVar aggregate classification (germline): Uncertain significance. Review status: criteria provided, multiple submitters, no conflicts (2 of 4 stars). 3 submissions from 3 submitters: Uncertain significance (3). Last evaluated 2025-05-30.

Conditions:
Epidermolysis bullosa simplex 5C, with pyloric atresia (EBS5C). Also called: PLEC-Related Epidermolysis Bullosa with Pyloric Atresia; Epidermolysis bullosa simplex with pyloric atresia; PLEC1-Related Epidermolysis Bullosa with Pyloric Atresia. Identifiers: Orphanet 158684, MedGen C2677349, MONDO:0012807, OMIM 612138.
Epidermolysis bullosa simplex 5B, with muscular dystrophy (EBS5B). Also called: EPIDERMOLYSIS BULLOSA SIMPLEX AND LIMB-GIRDLE MUSCULAR DYSTROPHY; Epidermolysis bullosa simplex with muscular dystrophy. Identifiers: Orphanet 257, MedGen C2931072, MONDO:0009181, OMIM 226670.
Autosomal recessive limb-girdle muscular dystrophy type 2Q (LGMDR17). Also called: MUSCULAR DYSTROPHY, LIMB-GIRDLE, AUTOSOMAL RECESSIVE 17. Identifiers: Orphanet 254361, MedGen C3150989, MONDO:0013390, OMIM 613723.
Epidermolysis bullosa simplex with nail dystrophy (EBS5D). Identifiers: MedGen C4225309, MONDO:0014661, OMIM 616487.
Junctional epidermolysis bullosa with pyloric atresia. Also called: ITGB4-Related Epidermolysis Bullosa with Pyloric Atresia; ITGA6-Related Epidermolysis Bullosa with Pyloric Atresia; APLASIA CUTIS CONGENITA WITH GASTROINTESTINAL ATRESIA; CARMI SYNDROME; Epidermolysis bullosa, junctional, with pyloric atresia and aplasia cutis congenita; Epidermolysis bullosa junctionalis with pyloric atresia. Identifiers: Orphanet 79403, MedGen C5676875, MONDO:0009183, OMIM 226730.
Epidermolysis bullosa simplex, Ogna type (EBS5A). Also called: Pidermolysis bullosa simplex 5A, Ogna type; EPIDERMOLYSIS BULLOSA SIMPLEX 5A, OGNA TYPE. Identifiers: Orphanet 79401, MedGen C0432317, MONDO:0007555, OMIM 131950.
Inborn genetic diseases. Identifiers: MedGen C0950123, MeSH D030342.

Allele frequency attached by ClinVar (database versions not stated): ExAC 0.00001; gnomAD 0.00001; gnomAD exomes 0.00001; TOPMed 0.00004.
gnomAD v4.1: 127 of 1,610,708 alleles (0.0079%); highest among the groups gnomAD compares: Non-Finnish European, 0.0096%; no homozygotes.

Submissions (3):

Labcorp Genetics (formerly Invitae), Labcorp
Classification: Uncertain significance for Autosomal recessive limb-girdle muscular dystrophy type 2Q; Epidermolysis bullosa simplex, Ogna type; Epidermolysis bullosa simplex with nail dystrophy; Epidermolysis bullosa simplex 5C, with pyloric atresia; Epidermolysis bullosa simplex 5B, with muscular dystrophy. Last evaluated: 2025-05-30. Review status: criteria provided, single submitter. Criteria: Invitae Variant Classification Sherloc (09022015). Collection method: clinical testing. Allele origin: germline.
Comment: This sequence change replaces alanine, which is neutral and non-polar, with threonine, which is neutral and polar, at codon 3108 of the PLEC protein (p.Ala3108Thr). The frequency data for this variant in the population databases is considered unreliable, as metrics indicate poor data quality at this position in the gnomAD database. This variant has not been reported in the literature in individuals affected with PLEC-related conditions. ClinVar contains an entry for this variant (Variation ID: 638824). An algorithm developed to predict the effect of missense changes on protein structure and function (PolyPhen-2) suggests that this variant is likely to be disruptive. In summary, the available evidence is currently insufficient to determine the role of this variant in disease. Therefore, it has been classified as a Variant of Uncertain Significance.

Ambry Genetics
Classification: Uncertain significance for Inborn genetic diseases. Last evaluated: 2025-03-03. Review status: criteria provided, single submitter. Criteria: Ambry Variant Classification Scheme 2023. Collection method: clinical testing. Allele origin: germline.

Department of Pathology and Laboratory Medicine, Sinai Health System
Classification: Uncertain significance for Epidermolysis bullosa simplex, Ogna type; Epidermolysis bullosa simplex 5B, with muscular dystrophy; Junctional epidermolysis bullosa with pyloric atresia; Epidermolysis bullosa simplex 5C, with pyloric atresia; Autosomal recessive limb-girdle muscular dystrophy type 2Q; Epidermolysis bullosa simplex with nail dystrophy. Last evaluated: 2021-07-30. Review status: criteria provided, single submitter. Criteria: ACMG Guidelines, 2015. Collection method: research. Allele origin: germline.

NM_201384.3(PLEC):c.9241G>A (p.Ala3081Thr)

Gene: PLEC (plectin; minus strand). Cytogenetic location: 8q24.3.
Variant type: single nucleotide variant.
Coding change: c.9241G>A on transcript NM_201384.3 (MANE Select); coding-DNA position 9241, G replaced by A.
Protein change: p.Ala3081Thr; replaces alanine 3081 with threonine.
Molecular consequence: missense variant.
Genome position (GRCh38, 1-based): chr8:143,920,580, C>T on the plus strand (G>A on the coding strand, the complement: PLEC is on the minus strand). VCF-style: chr8-143920580-C-T. GRCh37 (hg19) VCF-style: chr8-144994748-C-T.
Other names: c.9322G>A, p.Ala3108Thr (NM_000445.5); c.9199G>A, p.Ala3067Thr (NM_201378.4); c.9175G>A, p.Ala3059Thr (NM_201379.3); c.9652G>A, p.Ala3218Thr (NM_201380.4); c.9145G>A, p.Ala3049Thr (NM_201381.3); c.9241G>A, p.Ala3081Thr (NM_201382.4); c.9253G>A, p.Ala3085Thr (NM_201383.3); c.9322G>A (NM_000445.3); short protein forms A3049T, A3085T, A3108T, A3218T, A3081T, A3059T, A3067T.
Identifiers: ClinVar variation 638824 (VCV000638824.8), dbSNP rs782803695, ClinGen allele CA4925024.